The following is an entry in ClinVar:

ClinVar aggregate classification (germline): Uncertain significance (1 of 4 stars; one submission).

Submission:

Labcorp Genetics (formerly Invitae), Labcorp
Classification: Uncertain significance. Last evaluated: 2021-06-20. Review status: criteria provided, single submitter. Criteria: Invitae Variant Classification Sherloc (09022015). Collection method: clinical testing. Allele origin: germline.
Comment: In summary, the available evidence is currently insufficient to determine the role of this variant in disease. Therefore, it has been classified as a Variant of Uncertain Significance. Algorithms developed to predict the effect of missense changes on protein structure and function are either unavailable or do not agree on the potential impact of this missense change (SIFT: "Deleterious"; PolyPhen-2: "Benign"; Align-GVGD: "Class C15"). This variant has not been reported in the literature in individuals with DYNC2LI1-related conditions. This variant is not present in population databases (ExAC no frequency). This sequence change replaces arginine with methionine at codon 17 of the DYNC2LI1 protein (p.Arg17Met). The arginine residue is highly conserved and there is a moderate physicochemical difference between arginine and methionine.

NM_016008.4(DYNC2LI1):c.50G>T (p.Arg17Met)

Gene: DYNC2LI1 (dynein cytoplasmic 2 light intermediate chain 1; plus strand). Cytogenetic location: 2p21.
Variant type: single nucleotide variant.
Coding change: c.50G>T on transcript NM_016008.4 (MANE Select); coding-DNA position 50, G replaced by T.
Protein change: p.Arg17Met; replaces arginine 17 with methionine.
Molecular consequence: missense variant.
Genome position (GRCh38, 1-based): chr2:43,776,823, G>T. VCF-style: chr2-43776823-G-T. GRCh37 (hg19) VCF-style: chr2-44003962-G-T.
Other names: c.50G>T, p.Arg17Met (NM_001193464.2, NM_001348912.2, NM_001348913.2 and 1 more transcripts); short protein forms R17M.
Identifiers: ClinVar variation 1362750 (VCV001362750.8), dbSNP rs778987748, ClinGen allele CA346648067.
Genomic context (GRCh38, chr2:43,776,823, plus strand): 5'-TTTTCTGCCTCTCATGTAGTGAAACTCTCTGGGAAATTGCAAAAGCTGAAGTGGAAAAAA[G>T]GGGAATTAATGGAAGTGAAGGTGATGGAGCTGAAATTGCAGAAAAATTTGTTTTCTTCAT-3'
Protein context (NP_057092.2, residues 7-27): WEIAKAEVEK[Arg17Met]GINGSEGDGA